The following is an entry in ClinVar:

NM_002184.4(IL6ST):c.645T>A (p.Asp215Glu)

Gene: IL6ST (interleukin 6 cytokine family signal transducer; minus strand). Cytogenetic location: 5q11.2.
Variant type: single nucleotide variant.
Coding change: c.645T>A on transcript NM_002184.4 (MANE Select); coding-DNA position 645, T replaced by A.
Protein change: p.Asp215Glu; replaces aspartic acid 215 with glutamic acid.
Molecular consequence: missense variant. On other transcripts: 5 prime UTR variant (3), non-coding transcript variant (2).
Genome position (GRCh38, 1-based): chr5:55,964,159, A>T on the plus strand (T>A on the coding strand, the complement: IL6ST is on the minus strand). VCF-style: chr5-55964159-A-T. GRCh37 (hg19) VCF-style: chr5-55259987-A-T.
Other names: c.645T>A, p.Asp215Glu (NM_001190981.2, NM_001364275.2, NM_175767.3); c.435T>A, p.Asp145Glu (NM_001364276.2); c.-269T>A (NM_001364277.2, NM_001364279.2); c.-259T>A (NM_001364278.2); short protein forms D215E, D145E.
Identifiers: ClinVar variation 1949772 (VCV001949772.5), dbSNP rs2533545050, ClinGen allele CA359766836.
Genomic context (GRCh38, chr5:55,964,159, plus strand): 5'-AACGACTACAGTGTCAAATAAACTCTCAAATTCAGGTTTATAACTACCTTTATATACAGG[A>T]TCAAAATTGATATGATCTGATGTAACCTTCCCAAGGGCATTCTCTGCTTCTACCCAGACT-3'
Protein context (NP_002175.2, residues 205-225): GKVTSDHINF[Asp215Glu]PVYKVKPNPP

ClinVar aggregate classification (germline): Uncertain significance (1 of 4 stars; one submission).

Allele frequency attached by ClinVar (database versions not stated): gnomAD exomes 0.00001.
gnomAD v4.1: 4 of 1,596,966 alleles (0.00025%); highest among the groups gnomAD compares: Non-Finnish European, 0.00034%; no homozygotes.

Submission:

Labcorp Genetics (formerly Invitae), Labcorp
Classification: Uncertain significance. Last evaluated: 2024-05-21. Review status: criteria provided, single submitter. Criteria: Invitae Variant Classification Sherloc (09022015). Collection method: clinical testing. Allele origin: germline.
Comment: This sequence change replaces aspartic acid, which is acidic and polar, with glutamic acid, which is acidic and polar, at codon 215 of the IL6ST protein (p.Asp215Glu). This variant is not present in population databases (gnomAD no frequency). This variant has not been reported in the literature in individuals affected with IL6ST-related conditions. ClinVar contains an entry for this variant (Variation ID: 1949772). An algorithm developed to predict the effect of missense changes on protein structure and function (PolyPhen-2) suggests that this variant is likely to be disruptive. In summary, the available evidence is currently insufficient to determine the role of this variant in disease. Therefore, it has been classified as a Variant of Uncertain Significance.